The following is an entry in ClinVar:

ClinVar aggregate classification (germline): Likely benign (1 of 4 stars; one submission).

Submission:

CeGaT Center for Human Genetics Tuebingen
Classification: Likely benign. Last evaluated: 2023-01-01. Review status: criteria provided, single submitter. Criteria: CeGaT Center For Human Genetics Tuebingen Variant Classification Criteria Version 2. Collection method: clinical testing. Allele origin: germline. Affected: yes. Observed: 1 variant allele.
Comment: LRPPRC: BS2

NM_133259.4(LRPPRC):c.*1456_*1457insTTTTTTTTTTTTTTTTTTTTTTTT

Gene: LRPPRC (leucine rich pentatricopeptide repeat containing; minus strand). Cytogenetic location: 2p21.
Variant type: Insertion.
Coding change: c.*1456_*1457insTTTTTTTTTTTTTTTTTTTTTTTT on transcript NM_133259.4 (MANE Select); 1456 bases downstream of the stop codon through 1457 bases downstream of the stop codon, TTTTTTTTTTTTTTTTTTTTTTTT inserted.
Molecular consequence: 3 prime UTR variant.
Genome position: GRCh38 VCF-style: chr2-43887143-C-CAAAAAAAAAAAAAAAAAAAAAAAA. GRCh37 (hg19) VCF-style: chr2-44114282-C-CAAAAAAAAAAAAAAAAAAAAAAAA.
Identifiers: ClinVar variation 2650863 (VCV002650863.24), dbSNP rs57494476, ClinGen allele CA1029995457.